The following is an entry in ClinVar:

NM_173628.4(DNAH17):c.7422G>C (p.Thr2474=)

Genes: DNAH17 (dynein axonemal heavy chain 17; minus strand), DNAH17-AS1 (DNAH17 antisense RNA 1; plus strand). Cytogenetic location: 17q25.3.
Variant type: single nucleotide variant.
Coding change: c.7422G>C on transcript NM_173628.4 (MANE Select); coding-DNA position 7422, G replaced by C.
Protein change: p.Thr2474=; no amino-acid change (threonine 2474 retained).
Molecular consequence: synonymous variant.
Genome position (GRCh38, 1-based): chr17:78,485,611, C>G on the plus strand (G>C on the coding strand, the complement: DNAH17 is on the minus strand). VCF-style: chr17-78485611-C-G. GRCh37 (hg19) VCF-style: chr17-76481693-C-G.
Identifiers: ClinVar variation 402680 (VCV000402680.8), dbSNP rs11872051, ClinGen allele CA8802345.

ClinVar aggregate classification (germline): Benign. Review status: criteria provided, multiple submitters, no conflicts (2 of 4 stars). 4 submissions from 4 submitters: Benign (3). 1 of the submissions does not count toward it. Last evaluated 2021-05-04.

Conditions:
DNAH17-related disorder. Also called: DNAH17-related condition.

Allele frequency attached by ClinVar (database versions not stated): 1000 Genomes Project 0.64237; 1000 Genomes Project 30x 0.64304; ESP Exome Variant Server 0.64483; TOPMed 0.64736; ExAC 0.67117.
gnomAD v4.1: 1,070,237 of 1,613,232 alleles (66%); highest among the groups gnomAD compares: Admixed American, 75%; 356,357 homozygotes.

Submissions (4):

GeneDx
Classification: Benign. Last evaluated: 2021-05-04. Review status: criteria provided, single submitter. Criteria: GeneDx Variant Classification Process June 2021. Collection method: clinical testing. Allele origin: germline. Affected: yes.

Laboratory for Molecular Medicine, Mass General Brigham Personalized Medicine
Classification: Benign. Last evaluated: 2016-03-29. Review status: criteria provided, single submitter. Criteria: LMM Criteria. Collection method: clinical testing. Allele origin: germline.
Comment: Variant identified in a genome or exome case(s) and assessed due to predicted null impact of the variant or pathogenic assertions in the literature or databases. Disclaimer: This variant has not undergone full assessment. The following are preliminary notes: Frequency

Breakthrough Genomics
Classification: Benign. Review status: criteria provided, single submitter. Criteria: ACMG Guidelines, 2015. Collection method: not provided. Allele origin: germline. Inheritance: Autosomal recessive inheritance. Affected: yes.

PreventionGenetics, part of Exact Sciences
Classification: Benign for DNAH17-related condition. Last evaluated: 2019-10-17. Review status: no assertion criteria provided. Collection method: clinical testing. Allele origin: germline. Not counted in ClinVar's aggregate classification.
Comment: This variant is classified as benign based on ACMG/AMP sequence variant interpretation guidelines (Richards et al. 2015 PMID: 25741868, with internal and published modifications).